The following is an entry in ClinVar:

ClinVar aggregate classification (germline): Uncertain significance. Review status: criteria provided, multiple submitters, no conflicts (2 of 4 stars). 2 submissions from 2 submitters: Uncertain significance (2). Last evaluated 2022-07-25.

Conditions:
Inborn genetic diseases. Identifiers: MedGen C0950123, MeSH D030342.
ALG9 congenital disorder of glycosylation (CDG1L). Also called: CDG Il; ALG9-CDG; CONGENITAL DISORDER OF GLYCOSYLATION, TYPE Il. Identifiers: Orphanet 79328, MedGen C2931006, MONDO:0012117, OMIM 608776.

Allele frequency attached by ClinVar (database versions not stated): gnomAD exomes 0.00001; TOPMed 0.00001.
gnomAD v4.1: 17 of 1,613,870 alleles (0.0011%); highest among the groups gnomAD compares: Admixed American, 0.02%; no homozygotes.

Submissions (2):

Labcorp Genetics (formerly Invitae), Labcorp
Classification: Uncertain significance for ALG9 congenital disorder of glycosylation. Last evaluated: 2022-07-25. Review status: criteria provided, single submitter. Criteria: Invitae Variant Classification Sherloc (09022015). Collection method: clinical testing. Allele origin: germline.
Comment: This sequence change replaces valine, which is neutral and non-polar, with methionine, which is neutral and non-polar, at codon 249 of the ATP6V0A2 protein (p.Val249Met). This variant is present in population databases (no rsID available, gnomAD 0.003%). This variant has not been reported in the literature in individuals affected with ATP6V0A2-related conditions. ClinVar contains an entry for this variant (Variation ID: 661517). Algorithms developed to predict the effect of missense changes on protein structure and function are either unavailable or do not agree on the potential impact of this missense change (SIFT: "Tolerated"; PolyPhen-2: "Possibly Damaging"; Align-GVGD: "Class C0"). In summary, the available evidence is currently insufficient to determine the role of this variant in disease. Therefore, it has been classified as a Variant of Uncertain Significance.

Ambry Genetics
Classification: Uncertain significance for Inborn genetic diseases. Last evaluated: 2022-03-25. Review status: criteria provided, single submitter. Criteria: Ambry Variant Classification Scheme 2023. Collection method: clinical testing. Allele origin: germline.

NM_012463.4(ATP6V0A2):c.745G>A (p.Val249Met)

Gene: ATP6V0A2 (ATPase H+ transporting V0 subunit a2; plus strand). Cytogenetic location: 12q24.31.
Variant type: single nucleotide variant.
Coding change: c.745G>A on transcript NM_012463.4 (MANE Select); coding-DNA position 745, G replaced by A.
Protein change: p.Val249Met; replaces valine 249 with methionine.
Molecular consequence: missense variant.
Genome position (GRCh38, 1-based): chr12:123,735,544, G>A. VCF-style: chr12-123735544-G-A. GRCh37 (hg19) VCF-style: chr12-124220091-G-A.
Other names: short protein forms V249M.
Identifiers: ClinVar variation 661517 (VCV000661517.8), dbSNP rs879082266, ClinGen allele CA245194604.